The following is an entry in ClinVar:

ClinVar aggregate classification (germline): Conflicting classifications of pathogenicity. Review status: criteria provided, conflicting classifications (1 of 4 stars). 2 submissions from 2 submitters: Uncertain significance (1); Likely benign (1). Last evaluated 2026-01-27.

Conditions:
Inborn genetic diseases. Identifiers: MedGen C0950123, MeSH D030342.

Allele frequency attached by ClinVar (database versions not stated): gnomAD 0.00001; TOPMed 0.00002; gnomAD exomes 0.00003.
gnomAD v4.1: 13 of 1,548,838 alleles (0.00084%); highest among the groups gnomAD compares: Admixed American, 0.014%; no homozygotes.

Submissions (2):

Labcorp Genetics (formerly Invitae), Labcorp
Classification: Uncertain significance. Last evaluated: 2026-01-27. Review status: criteria provided, single submitter. Criteria: Invitae Variant Classification Sherloc (09022015). Collection method: clinical testing. Allele origin: germline.
Comment: This sequence change replaces alanine, which is neutral and non-polar, with threonine, which is neutral and polar, at codon 373 of the DVL1 protein (p.Ala373Thr). This variant is present in population databases (no rsID available, gnomAD 0.02%). This variant has not been reported in the literature in individuals affected with DVL1-related conditions. ClinVar contains an entry for this variant (Variation ID: 1433225). Invitae Evidence Modeling of protein sequence and biophysical properties (such as structural, functional, and spatial information, amino acid conservation, physicochemical variation, residue mobility, and thermodynamic stability) indicates that this missense variant is not expected to disrupt DVL1 protein function with a negative predictive value of 80%. In summary, the available evidence is currently insufficient to determine the role of this variant in disease. Therefore, it has been classified as a Variant of Uncertain Significance.

Ambry Genetics
Classification: Likely benign for Inborn genetic diseases. Last evaluated: 2025-11-11. Review status: criteria provided, single submitter. Criteria: Ambry Variant Classification Scheme 2023. Collection method: clinical testing. Allele origin: germline.

NM_001330311.2(DVL1):c.1117G>A (p.Ala373Thr)

Gene: DVL1 (dishevelled segment polarity protein 1; minus strand). Cytogenetic location: 1p36.33.
Variant type: single nucleotide variant.
Coding change: c.1117G>A on transcript NM_001330311.2 (MANE Select); coding-DNA position 1117, G replaced by A.
Protein change: p.Ala373Thr; replaces alanine 373 with threonine.
Molecular consequence: missense variant.
Genome position (GRCh38, 1-based): chr1:1,339,377, C>T on the plus strand (G>A on the coding strand, the complement: DVL1 is on the minus strand). VCF-style: chr1-1339377-C-T. GRCh37 (hg19) VCF-style: chr1-1274757-C-T.
Other names: c.1117G>A (NM_004421.2); c.1117G>A, p.Ala373Thr (NM_004421.3); short protein forms A373T.
Identifiers: ClinVar variation 1433225 (VCV001433225.9), dbSNP rs915704394, ClinGen allele CA16755028.
Genomic context (GRCh38, chr1:1,339,377, plus strand): 5'-AGGAGGAGCTGGTGCGCGTGACGGCGCTGGAGCAGGGACTCGTACCGTAGCGGGGCAGGG[C>T]TCCTGTCAGTGCCGCCGTGTGGGACAGCCAGGCGGCGGGGTCGATGGGCCGCACCGGGTC-3'
Protein context (NP_001317240.1, residues 363-383): WLSHTAALTG[Ala373Thr]LPRYGTSPCS